The following is an entry in ClinVar:

NM_003072.5(SMARCA4):c.674T>C (p.Val225Ala)

Gene: SMARCA4 (SWI/SNF related BAF chromatin remodeling complex subunit ATPase 4; plus strand). Cytogenetic location: 19p13.2.
Variant type: single nucleotide variant.
Coding change: c.674T>C on transcript NM_003072.5 (MANE Select); coding-DNA position 674, T replaced by C.
Protein change: p.Val225Ala; replaces valine 225 with alanine.
Molecular consequence: missense variant. On other transcripts: non-coding transcript variant (1).
Genome position (GRCh38, 1-based): chr19:10,986,507, T>C. VCF-style: chr19-10986507-T-C. GRCh37 (hg19) VCF-style: chr19-11097183-T-C.
Other names: c.674T>C, p.Val225Ala (NM_001128844.3, NM_001128845.2, NM_001128846.2 and 6 more transcripts); short protein forms V225A.
Identifiers: ClinVar variation 1715722 (VCV001715722.5), dbSNP rs2145782784, ClinGen allele CA404056929.

ClinVar aggregate classification (germline): Uncertain significance (1 of 4 stars; one submission).

Conditions:
Rhabdoid tumor predisposition syndrome 2 (RTPS2). Identifiers: Orphanet 231108, Orphanet 69077, MedGen C2750074, MONDO:0013224, OMIM 613325.

Submission:

Labcorp Genetics (formerly Invitae), Labcorp
Classification: Uncertain significance for Rhabdoid tumor predisposition syndrome 2. Last evaluated: 2022-07-16. Review status: criteria provided, single submitter. Criteria: Invitae Variant Classification Sherloc (09022015). Collection method: clinical testing. Allele origin: germline.
Comment: In summary, the available evidence is currently insufficient to determine the role of this variant in disease. Therefore, it has been classified as a Variant of Uncertain Significance. Algorithms developed to predict the effect of missense changes on protein structure and function output the following: SIFT: "Tolerated"; PolyPhen-2: "Benign"; Align-GVGD: "Class C0". The alanine amino acid residue is found in multiple mammalian species, which suggests that this missense change does not adversely affect protein function. This variant has not been reported in the literature in individuals affected with SMARCA4-related conditions. This variant is not present in population databases (gnomAD no frequency). This sequence change replaces valine, which is neutral and non-polar, with alanine, which is neutral and non-polar, at codon 225 of the SMARCA4 protein (p.Val225Ala).